The following is an entry in ClinVar:

NM_001127222.2(CACNA1A):c.5809A>T (p.Thr1937Ser)

Gene: CACNA1A (calcium voltage-gated channel subunit alpha1 A; minus strand). Cytogenetic location: 19p13.13.
Variant type: single nucleotide variant.
Coding change: c.5809A>T on transcript NM_001127222.2 (MANE Select); coding-DNA position 5809, A replaced by T.
Protein change: p.Thr1937Ser; replaces threonine 1937 with serine.
Molecular consequence: missense variant.
Genome position (GRCh38, 1-based): chr19:13,214,531, T>A on the plus strand (A>T on the coding strand, the complement: CACNA1A is on the minus strand). VCF-style: chr19-13214531-T-A. GRCh37 (hg19) VCF-style: chr19-13325345-T-A.
Other names: c.5827A>T, p.Thr1943Ser (NM_000068.4, NM_023035.3); c.5812A>T, p.Thr1938Ser (NM_001127221.2); c.5818A>T, p.Thr1940Ser (NM_001174080.2); short protein forms T1937S, T1940S, T1938S, T1943S.
Identifiers: ClinVar variation 2947565 (VCV002947565.3), dbSNP rs2512544897, ClinGen allele CA404334365.

ClinVar aggregate classification (germline): Uncertain significance (1 of 4 stars; one submission).

Conditions:
Episodic ataxia type 2 (EA2). Also called: CEREBELLAR ATAXIA, PAROXYSMAL, ACETAZOLAMIDE-RESPONSIVE; CEREBELLOPATHY, HEREDITARY PAROXYSMAL; EPISODIC ATAXIA, NYSTAGMUS-ASSOCIATED; ACETAZOLAMIDE-RESPONSIVE HEREDITARY PAROXYSMAL CEREBELLAR ATAXIA; ATAXIA, EPISODIC, WITH NYSTAGMUS; ATAXIA, FAMILIAL PAROXYSMAL. Identifiers: Orphanet 97, MedGen C1720416, MONDO:0007163, OMIM 108500.
Developmental and epileptic encephalopathy, 42 (DEE42A). Also called: Epileptic encephalopathy, early infantile, 42; DEVELOPMENTAL AND EPILEPTIC ENCEPHALOPATHY 42A; EPILEPTIC ENCEPHALOPATHY, EARLY INFANTILE, 42A. Identifiers: MedGen C4310716, MONDO:0014917, OMIM 617106.

Submission:

Labcorp Genetics (formerly Invitae), Labcorp
Classification: Uncertain significance for Developmental and epileptic encephalopathy, 42; Episodic ataxia type 2. Last evaluated: 2023-05-08. Review status: criteria provided, single submitter. Criteria: Invitae Variant Classification Sherloc (09022015). Collection method: clinical testing. Allele origin: germline.
Comment: In summary, the available evidence is currently insufficient to determine the role of this variant in disease. Therefore, it has been classified as a Variant of Uncertain Significance. Advanced modeling of protein sequence and biophysical properties (such as structural, functional, and spatial information, amino acid conservation, physicochemical variation, residue mobility, and thermodynamic stability) performed at Invitae indicates that this missense variant is not expected to disrupt CACNA1A protein function. This variant has not been reported in the literature in individuals affected with CACNA1A-related conditions. This variant is not present in population databases (gnomAD no frequency). This sequence change replaces threonine, which is neutral and polar, with serine, which is neutral and polar, at codon 1938 of the CACNA1A protein (p.Thr1938Ser).